The following is an entry in ClinVar:

NM_006623.4(PHGDH):c.1209+1G>T

Gene: PHGDH (phosphoglycerate dehydrogenase; plus strand). Cytogenetic location: 1p12.
Variant type: single nucleotide variant.
Coding change: c.1209+1G>T on transcript NM_006623.4 (MANE Select); the canonical splice donor site of the intron after coding-DNA position 1209, G replaced by T.
Molecular consequence: splice donor variant.
Genome position (GRCh38, 1-based): chr1:119,741,898, G>T. VCF-style: chr1-119741898-G-T. GRCh37 (hg19) VCF-style: chr1-120284521-G-T.
Identifiers: ClinVar variation 5007132 (VCV005007132.2).

ClinVar aggregate classification (germline): Likely pathogenic (1 of 4 stars; one submission).

Conditions:
Neu-Laxova syndrome 1 (NLS1). Identifiers: Orphanet 2671, Orphanet 583607, MedGen C4551478, MONDO:0009736, OMIM 256520. Disease mechanism: loss of function.
PHGDH deficiency. Identifiers: Orphanet 79351, MedGen C1866174, MONDO:0011152, OMIM 601815.

Submission:

Juno Genomics, Hangzhou Juno Genomics, Inc
Classification: Likely pathogenic for Neu-Laxova syndrome 1; PHGDH deficiency. Review status: criteria provided, single submitter. Criteria: ACMG Guidelines, 2015. Collection method: clinical testing. Allele origin: germline.
Comment: Absent from controls (or at extremely low frequency if recessive) in Genome Aggregation Database.;Null variant in a gene where loss of function (LOF) is a known mechanism of disease.